The following is an entry in ClinVar:

NM_000053.4(ATP7B):c.4006del (p.Ile1336fs)

Gene: ATP7B (ATPase copper transporting beta; minus strand). Cytogenetic location: 13q14.3.
Variant type: Deletion.
Coding change: c.4006del on transcript NM_000053.4 (MANE Select); coding-DNA position 4006, one base deleted (A; older notation c.4006delA).
Protein change: p.Ile1336fs; shifts the reading frame from isoleucine 1336.
Molecular consequence: frameshift variant.
Genome position (GRCh38, 1-based): chr13:51,937,291, T deleted on the plus strand (A on the coding strand, the reverse complement: ATP7B is on the minus strand). VCF-style (leftmost placement, unchanged base first): chr13-51937290-AT-A. GRCh37 (hg19) VCF-style: chr13-52511426-AT-A.
Other names: c.4006delA (NM_000053.4); c.3385del, p.Ile1129fs (NM_001005918.3); c.3673del, p.Ile1225fs (NM_001243182.2); c.3772del, p.Ile1258fs (NM_001330578.2); c.3754del, p.Ile1252fs (NM_001330579.2); short protein forms I1225fs, I1258fs, I1129fs, I1252fs, I1336fs.
Identifiers: ClinVar variation 552929 (VCV000552929.8), dbSNP rs1555283564, ClinGen allele CA658823693.

ClinVar aggregate classification (germline): Pathogenic. Review status: criteria provided, multiple submitters, no conflicts (2 of 4 stars). 5 submissions from 5 submitters: Pathogenic (4). 1 of the submissions does not count toward it. Last evaluated 2024-05-06.

Conditions:
Wilson disease (WND). Also called: Wilson's disease. Identifiers: Orphanet 905, MedGen C0019202, MONDO:0010200, OMIM 277900. Disease mechanism: loss of function.

Submissions (5):

Fulgent Genetics
Classification: Pathogenic for Wilson disease. Last evaluated: 2024-05-06. Review status: criteria provided, single submitter. Criteria: ACMG Guidelines, 2015. Collection method: clinical testing. Allele origin: germline.

Chongqing Key Laboratory of Child Rare Diseases in Infection and Immunity, Children’s Hospital of Chongqing Medical University
Classification: Pathogenic for Wilson disease. Last evaluated: 2024-01-01. Review status: criteria provided, single submitter. Criteria: ACMG Guidelines, 2015. Collection method: clinical testing. Allele origin: germline. Inheritance: Autosomal recessive inheritance. Affected: yes.
Comment: Classified as Pathogenic according to the ACMG/AMP 2015 guidelines (PMID:25741868). The classification was based on the available submitted evidence for Wilson disease (OMIM:277900), including clinical-testing observations, variant consequence/protein annotation, and published or ClinVar evidence where available. Supporting information considered: variant annotation: p.Ile1336fsTer57; Frameshift; Protein domain: Core (post-N); submitted notation: NM_000053.4:c.4006delA (p.Ile1336fsTer57); source variant type: Frameshift; source domain: Core (post-N); allele count n=230: 1.

Genome-Nilou Lab
Classification: Pathogenic for Wilson disease. Last evaluated: 2021-08-10. Review status: criteria provided, single submitter. Criteria: ACMG Guidelines, 2015. Collection method: clinical testing. Allele origin: germline. Affected: no.

Juno Genomics, Hangzhou Juno Genomics, Inc
Classification: Pathogenic for Wilson disease. Review status: criteria provided, single submitter. Criteria: ACMG Guidelines, 2015. Collection method: clinical testing. Allele origin: germline.
Comment: Absent from controls (or at extremely low frequency if recessive) in Genome Aggregation Database.;Null variant in a gene where loss of function (LOF) is a known mechanism of disease.;For recessive disorders, detected in trans with a pathogenic variant.;Patient's phenotype or family history is highly specific for a disease with a single genetic etiology.

Counsyl
Classification: Pathogenic for Wilson disease. Last evaluated: 2017-07-18. Review status: no assertion criteria provided. Collection method: clinical testing. Allele origin: unknown. Not counted in ClinVar's aggregate classification.

Literature cited by the submitters: PubMed 23235335 (cited by Counsyl); PubMed 23556051 (cited by Counsyl).